The following is an entry in ClinVar:

ClinVar aggregate classification (germline): Uncertain significance (1 of 4 stars; one submission).

Submission:

GeneDx
Classification: Uncertain significance. Last evaluated: 2023-12-21. Review status: criteria provided, single submitter. Criteria: GeneDx Variant Classification Process June 2021. Collection method: clinical testing. Allele origin: germline. Affected: yes.
Comment: Frameshift variant predicted to result in protein truncation or nonsense mediated decay in a gene or region of a gene for which loss of function is not a well-established mechanism of disease; Not observed at significant frequency in large population cohorts (gnomAD); Has not been previously published as pathogenic or benign to our knowledge

NM_016953.4(PDE11A):c.51_54del (p.Arg17fs)

Gene: PDE11A (phosphodiesterase 11A; minus strand). Cytogenetic location: 2q31.2.
Variant type: Deletion.
Coding change: c.51_54del on transcript NM_016953.4 (MANE Select); coding-DNA positions 51 to 54, 4 bases deleted (GCAC; older notation c.51_54delGCAC).
Protein change: p.Arg17fs; shifts the reading frame from arginine 17.
Molecular consequence: frameshift variant. On other transcripts: intron variant (1).
Genome position (GRCh38, 1-based): chr2:178,072,384-178,072,387, GTGC deleted on the plus strand (GCAC on the coding strand, the reverse complement: PDE11A is on the minus strand). VCF-style (leftmost placement, unchanged base first): chr2-178072383-GGTGC-G. GRCh37 (hg19) VCF-style: chr2-178937110-GGTGC-G.
Other names: c.162+31915_162+31918del (NM_001077197.2); short protein forms R17fs.
Identifiers: ClinVar variation 3370000 (VCV003370000.1).